The following is an entry in ClinVar:

NM_012470.4(TNPO3):c.550T>C (p.Leu184=)

Gene: TNPO3 (transportin 3; minus strand). Cytogenetic location: 7q32.1.
Variant type: single nucleotide variant.
Coding change: c.550T>C on transcript NM_012470.4 (MANE Select); coding-DNA position 550, T replaced by C.
Protein change: p.Leu184=; no amino-acid change (leucine 184 retained).
Molecular consequence: synonymous variant. On other transcripts: non-coding transcript variant (18).
Genome position (GRCh38, 1-based): chr7:129,014,981, A>G on the plus strand (T>C on the coding strand, the complement: TNPO3 is on the minus strand). VCF-style: chr7-129014981-A-G. GRCh37 (hg19) VCF-style: chr7-128655035-A-G.
Other names: c.550T>C, p.Leu184= (NM_001191028.3, NM_001382216.1, NM_001382218.1 and 5 more transcripts); c.631T>C, p.Leu211= (NM_001382217.1).
Identifiers: ClinVar variation 1094407 (VCV001094407.33), dbSNP rs757199066, ClinGen allele CA4478378.

ClinVar aggregate classification (germline): Likely benign. Review status: criteria provided, multiple submitters, no conflicts (2 of 4 stars). 2 submissions from 2 submitters: Likely benign (2). Last evaluated 2025-03-31.

Conditions:
Autosomal dominant limb-girdle muscular dystrophy type 1F (LGMDD2). Also called: Limb-girdle muscular dystrophy, type 1F; MUSCULAR DYSTROPHY, LIMB-GIRDLE, AUTOSOMAL DOMINANT 2. Identifiers: Orphanet 55595, MedGen C1842062, MONDO:0012034, OMIM 608423.

Allele frequency attached by ClinVar (database versions not stated): gnomAD 0.00001; gnomAD exomes 0.00001 and 0.00002; TOPMed 0.00001; ExAC 0.00002.
gnomAD v4.1: 16 of 1,588,150 alleles (0.001%); highest among the groups gnomAD compares: Middle Eastern, 0.05%; no homozygotes.

Submissions (2):

Labcorp Genetics (formerly Invitae), Labcorp
Classification: Likely benign for Autosomal dominant limb-girdle muscular dystrophy type 1F. Last evaluated: 2025-03-31. Review status: criteria provided, single submitter. Criteria: Invitae Variant Classification Sherloc (09022015). Collection method: clinical testing. Allele origin: germline.

CeGaT Center for Human Genetics Tuebingen
Classification: Likely benign. Last evaluated: 2022-04-01. Review status: criteria provided, single submitter. Criteria: CeGaT Center For Human Genetics Tuebingen Variant Classification Criteria Version 2. Collection method: clinical testing. Allele origin: germline. Affected: yes. Observed: 1 variant allele.
Comment: TNPO3: BP4, BP7